The following is an entry in ClinVar:

NM_000110.4(DPYD):c.703C>T (p.Arg235Trp)

Gene: DPYD (dihydropyrimidine dehydrogenase; minus strand). Cytogenetic location: 1p21.3.
Variant type: single nucleotide variant.
Coding change: c.703C>T on transcript NM_000110.4 (MANE Select); coding-DNA position 703, C replaced by T.
Protein change: p.Arg235Trp; replaces arginine 235 with tryptophan.
Molecular consequence: missense variant.
Genome position (GRCh38, 1-based): chr1:97,691,776, G>A on the plus strand (C>T on the coding strand, the complement: DPYD is on the minus strand). VCF-style: chr1-97691776-G-A. GRCh37 (hg19) VCF-style: chr1-98157332-G-A.
Other names: short protein forms R235W.
Identifiers: ClinVar variation 298300 (VCV000298300.13), dbSNP rs1801266, ClinGen allele CA963582.

ClinVar aggregate classification (germline): drug response. Review status: reviewed by expert panel (3 of 4 stars). 4 submissions from 4 submitters: drug response (1). 3 of the submissions do not count toward it. Last evaluated 2021-03-24.

Conditions:
Dihydropyrimidine dehydrogenase deficiency (DPYDD). Also called: Hereditary Thymine-Uraciluria; DPD DEFICIENCY; DPYD DEFICIENCY. Identifiers: Orphanet 1675, MedGen C1959620, MONDO:0010130, OMIM 274270.
fluorouracil response - Other.
DPYD-related disorders.

Allele frequency attached by ClinVar (database versions not stated): TOPMed 0.00003; gnomAD 0.00004; ESP Exome Variant Server 0.00008; gnomAD exomes 0.00008; ExAC 0.00010.
gnomAD v4.1: 77 of 1,613,280 alleles (0.0048%); highest among the groups gnomAD compares: South Asian, 0.03%; no homozygotes.

Submissions (4):

ClinPGx
Classification: drug response for fluorouracil response - Other. Last evaluated: 2021-03-24. Review status: reviewed by expert panel. Criteria: Pharmacogenomics knowledge for personalized medicine. Collection method: curation. Allele origin: germline. Affected: yes.
Comment: PharmGKB Level of Evidence 1A: Level 1A clinical annotations describe variant-drug combinations that have variant-specific prescribing guidance available in a current clinical guideline annotation or an FDA-approved drug label annotation. Annotations of drug labels or clinical guidelines must give prescribing guidance for specific variants (e.g. CYP2C9*3, HLA-B*57:01) or provide mapping from defined allele functions to diplotypes and phenotypes to be used as supporting evidence for a level 1A clinical annotation. Level 1A clinical annotations must also be supported by at least one publication in addition to a clinical guideline or drug label with variant-specific prescribing guidance.

Blueprint Genetics
Classification: Likely pathogenic for DPYD-related disorders. Last evaluated: 2024-08-26. Review status: criteria provided, single submitter. Criteria: ACMG Guidelines, 2015. Collection method: clinical testing. Allele origin: germline. Affected: yes. Observed: 3 variant alleles. Not counted in ClinVar's aggregate classification.

Baylor Genetics
Classification: Likely pathogenic for Dihydropyrimidine dehydrogenase deficiency. Last evaluated: 2024-03-13. Review status: criteria provided, single submitter. Criteria: ACMG Guidelines, 2015. Collection method: clinical testing. Allele origin: unknown. Not counted in ClinVar's aggregate classification.

Juno Genomics, Hangzhou Juno Genomics, Inc
Classification: Likely pathogenic for Dihydropyrimidine dehydrogenase deficiency. Review status: criteria provided, single submitter. Criteria: ACMG Guidelines, 2015. Collection method: clinical testing. Allele origin: germline. Not counted in ClinVar's aggregate classification.
Comment: Absent from controls (or at extremely low frequency if recessive) in Genome Aggregation Database.;Multiple lines of computational evidence support a deleterious effect on the gene or gene product.;For recessive disorders, detected in trans with a pathogenic variant.;Patient's phenotype or family history is highly specific for a disease with a single genetic etiology.

Literature cited by the submitters: PubMed 10071185 (cited by ClinPGx); PubMed 24648345 (cited by ClinPGx); PubMed 9439663 (cited by ClinPGx).